The following is an entry in ClinVar:

ClinVar aggregate classification (germline): Uncertain significance (1 of 4 stars; one submission).

Conditions:
Congenital disorder of glycosylation, type Iaa. Also called: Congenital disorder of glycosylation, type 1aa. Identifiers: MedGen C4310727, MONDO:0014904, OMIM 617082.

Submission:

Labcorp Genetics (formerly Invitae), Labcorp
Classification: Uncertain significance for Congenital disorder of glycosylation, type Iaa. Last evaluated: 2024-06-21. Review status: criteria provided, single submitter. Criteria: Invitae Variant Classification Sherloc (09022015). Collection method: clinical testing. Allele origin: germline.
Comment: This sequence change replaces arginine, which is basic and polar, with tryptophan, which is neutral and slightly polar, at codon 38 of the NUS1 protein (p.Arg38Trp). This variant is not present in population databases (gnomAD no frequency). This variant has not been reported in the literature in individuals affected with NUS1-related conditions. An algorithm developed to predict the effect of missense changes on protein structure and function (PolyPhen-2) suggests that this variant is likely to be tolerated. In summary, the available evidence is currently insufficient to determine the role of this variant in disease. Therefore, it has been classified as a Variant of Uncertain Significance.

NM_138459.5(NUS1):c.112C>T (p.Arg38Trp)

Gene: NUS1 (NUS1 dehydrodolichyl diphosphate synthase subunit; plus strand). Cytogenetic location: 6q22.1.
Variant type: single nucleotide variant.
Coding change: c.112C>T on transcript NM_138459.5 (MANE Select); coding-DNA position 112, C replaced by T.
Protein change: p.Arg38Trp; replaces arginine 38 with tryptophan.
Molecular consequence: missense variant.
Genome position (GRCh38, 1-based): chr6:117,675,782, C>T. VCF-style: chr6-117675782-C-T. GRCh37 (hg19) VCF-style: chr6-117996945-C-T.
Other names: short protein forms R38W.
Identifiers: ClinVar variation 3704932 (VCV003704932.2).